The following is an entry in ClinVar:

ClinVar aggregate classification (germline): Uncertain significance. Review status: criteria provided, multiple submitters, no conflicts (2 of 4 stars). 2 submissions from 2 submitters: Uncertain significance (2). Last evaluated 2023-07-10.

Allele frequency attached by ClinVar (database versions not stated): TOPMed 0.00003; 1000 Genomes Project 30x 0.00016; 1000 Genomes Project 0.00020; gnomAD exomes 0.00001 and 0.00003; ExAC 0.00002; gnomAD 0.00002.
gnomAD v4.1: 53 of 1,614,086 alleles (0.0033%); highest among the groups gnomAD compares: Non-Finnish European, 0.0042%; no homozygotes.

Submissions (2):

Labcorp Genetics (formerly Invitae), Labcorp
Classification: Uncertain significance. Last evaluated: 2023-07-10. Review status: criteria provided, single submitter. Criteria: Invitae Variant Classification Sherloc (09022015). Collection method: clinical testing. Allele origin: germline.
Comment: In summary, the available evidence is currently insufficient to determine the role of this variant in disease. Therefore, it has been classified as a Variant of Uncertain Significance. This variant disrupts the p.Ala168 amino acid residue in RHO. Other variant(s) that disrupt this residue have been observed in individuals with RHO-related conditions (PMID: 33691693), which suggests that this may be a clinically significant amino acid residue. Advanced modeling of protein sequence and biophysical properties (such as structural, functional, and spatial information, amino acid conservation, physicochemical variation, residue mobility, and thermodynamic stability) performed at Invitae indicates that this missense variant is not expected to disrupt RHO protein function. ClinVar contains an entry for this variant (Variation ID: 855003). This missense change has been observed in individual(s) with autosomal dominant retinitis pigmentosa (Invitae). This variant is present in population databases (rs574202023, gnomAD 0.003%). This sequence change replaces alanine, which is neutral and non-polar, with threonine, which is neutral and polar, at codon 168 of the RHO protein (p.Ala168Thr).

Blueprint Genetics
Classification: Uncertain significance. Last evaluated: 2022-12-09. Review status: criteria provided, single submitter. Criteria: ACMG Guidelines, 2015. Collection method: clinical testing. Allele origin: germline.

Literature cited by the submitters: PubMed 33691693 (cited by Labcorp Genetics (formerly Invitae), Labcorp).

NM_000539.3(RHO):c.502G>A (p.Ala168Thr)

Gene: RHO (rhodopsin; plus strand). Cytogenetic location: 3q22.1.
Variant type: single nucleotide variant.
Coding change: c.502G>A on transcript NM_000539.3 (MANE Select); coding-DNA position 502, G replaced by A.
Protein change: p.Ala168Thr; replaces alanine 168 with threonine.
Molecular consequence: missense variant.
Genome position (GRCh38, 1-based): chr3:129,531,016, G>A. VCF-style: chr3-129531016-G-A. GRCh37 (hg19) VCF-style: chr3-129249859-G-A.
Other names: short protein forms A168T.
Identifiers: ClinVar variation 855003 (VCV000855003.12), dbSNP rs574202023, ClinGen allele CA2607175.